The following is an entry in ClinVar:

ClinVar aggregate classification (germline): Uncertain significance (1 of 4 stars; one submission).

Conditions:
Dilated cardiomyopathy 1O (CMD1O). Also called: CARDIOMYOPATHY, DILATED, WITH VENTRICULAR TACHYCARDIA. Identifiers: Orphanet 154, MedGen C1837839, MONDO:0012062, OMIM 608569.

Submission:

MGZ Medical Genetics Center
Classification: Uncertain significance for Dilated cardiomyopathy 1O. Last evaluated: 2021-11-12. Review status: criteria provided, single submitter. Criteria: ACMG Guidelines, 2015. Collection method: clinical testing. Allele origin: germline. Affected: yes. Observed: 1 variant allele.
Comment: ACMG criteria applied: PS2_SUP, PM2_SUP

NM_020297.4(ABCC9):c.2116del (p.Gln706fs)

Gene: ABCC9 (ATP binding cassette subfamily C member 9; minus strand). Cytogenetic location: 12p12.1.
Variant type: Deletion.
Coding change: c.2116del on transcript NM_020297.4 (MANE Select); coding-DNA position 2116, one base deleted (C; older notation c.2116delC).
Protein change: p.Gln706fs; shifts the reading frame from glutamine 706.
Molecular consequence: frameshift variant.
Genome position (GRCh38, 1-based): chr12:21,872,707, G deleted on the plus strand (C on the coding strand, the reverse complement: ABCC9 is on the minus strand); the first of 2 consecutive G bases (chr12:21,872,707-21,872,708); deleting either gives the same sequence. VCF-style (leftmost placement, unchanged base first): chr12-21872706-TG-T. GRCh37 (hg19) VCF-style: chr12-22025640-TG-T.
Other names: c.2116del, p.Gln706fs (NM_001377273.1, NM_005691.4); c.1252del, p.Gln418fs (NM_001377274.1); short protein forms Q418fs, Q706fs.
Identifiers: ClinVar variation 1708971 (VCV001708971.1), dbSNP rs2541326516, ClinGen allele CA2580085264.